The following is an entry in ClinVar:

NM_000441.2(SLC26A4):c.1995A>C (p.Ile665=)

Gene: SLC26A4 (solute carrier family 26 member 4; plus strand). Cytogenetic location: 7q22.3.
Variant type: single nucleotide variant.
Coding change: c.1995A>C on transcript NM_000441.2 (MANE Select); coding-DNA position 1995, A replaced by C.
Protein change: p.Ile665=; no amino-acid change (isoleucine 665 retained).
Molecular consequence: synonymous variant.
Genome position (GRCh38, 1-based): chr7:107,702,018, A>C. VCF-style: chr7-107702018-A-C. GRCh37 (hg19) VCF-style: chr7-107342463-A-C.
Identifiers: ClinVar variation 765800 (VCV000765800.13), dbSNP rs185493402, ClinGen allele CA4432993.

ClinVar aggregate classification (germline): Likely benign. Review status: criteria provided, single submitter (1 of 4 stars). 3 submissions from 3 submitters: Likely benign (1). 2 of the submissions do not count toward it. Last evaluated 2025-12-23.

Conditions:
SLC26A4-related disorder. Also called: SLC26A4-related disorders; SLC26A4-related condition.
Pendred syndrome (PDS). Also called: Pendred Syndrome (PDS); Pendred's syndrome; THYROID DYSHORMONOGENESIS 2B; THYROID HORMONOGENESIS, GENETIC DEFECT IN, 2B; DEAFNESS WITH GOITER; GOITER-DEAFNESS SYNDROME. Identifiers: Orphanet 705, MedGen C0271829, MONDO:0010134, OMIM 274600.

Allele frequency attached by ClinVar (database versions not stated): ExAC 0.00003; gnomAD exomes 0.00003; gnomAD 0.00015; TOPMed 0.00015; 1000 Genomes Project 30x 0.00031; 1000 Genomes Project 0.00040.
gnomAD v4.1: 64 of 1,613,968 alleles (0.004%); highest among the groups gnomAD compares: African/African-American, 0.067%; no homozygotes.

Submissions (3):

Labcorp Genetics (formerly Invitae), Labcorp
Classification: Likely benign. Last evaluated: 2025-12-23. Review status: criteria provided, single submitter. Criteria: Invitae Variant Classification Sherloc (09022015). Collection method: clinical testing. Allele origin: germline.

PreventionGenetics, part of Exact Sciences
Classification: Likely benign for SLC26A4-related condition. Last evaluated: 2024-03-12. Review status: no assertion criteria provided. Collection method: clinical testing. Allele origin: germline. Not counted in ClinVar's aggregate classification.
Comment: This variant is classified as likely benign based on ACMG/AMP sequence variant interpretation guidelines (Richards et al. 2015 PMID: 25741868, with internal and published modifications).

Natera, Inc.
Classification: Likely benign for Pendred syndrome. Last evaluated: 2021-02-10. Review status: no assertion criteria provided. Collection method: clinical testing. Allele origin: germline. Not counted in ClinVar's aggregate classification.